The following is an entry in ClinVar:

NM_020800.3(IFT80):c.2158C>A (p.Gln720Lys)

Genes: IFT80 (intraflagellar transport 80; minus strand), TRIM59-IFT80 (TRIM59-IFT80 readthrough (NMD candidate); minus strand). Cytogenetic location: 3q25.33.
Variant type: single nucleotide variant.
Coding change: c.2158C>A on transcript NM_020800.3 (MANE Select); coding-DNA position 2158, C replaced by A.
Protein change: p.Gln720Lys; replaces glutamine 720 with lysine.
Molecular consequence: missense variant. On other transcripts: non-coding transcript variant (3).
Genome position (GRCh38, 1-based): chr3:160,268,478, G>T on the plus strand (C>A on the coding strand, the complement: IFT80 is on the minus strand). VCF-style: chr3-160268478-G-T. GRCh37 (hg19) VCF-style: chr3-159986266-G-T.
Other names: c.1747C>A, p.Gln583Lys (NM_001190241.2, NM_001190242.2); short protein forms Q720K, Q583K.
Identifiers: ClinVar variation 501586 (VCV000501586.18), dbSNP rs201820395, ClinGen allele CA2684949.
Genomic context (GRCh38, chr3:160,268,478, plus strand): 5'-CTGCATAATGCAAGTATCGTTTATTAGTTTCCTGTTTACCAAATGTCTCCAAAAACTTTT[G>T]ACGGTAAGCAAGAACTGTATCAACATGTGTTTTGTATTTTACAGCCAATTCCAGTGCCCT-3'
Protein context (NP_065851.1, residues 710-730): THVDTVLAYR[Gln720Lys]KFLETFGKQE

ClinVar aggregate classification (germline): Conflicting classifications of pathogenicity. Review status: criteria provided, conflicting classifications (1 of 4 stars). 5 submissions from 5 submitters: Uncertain significance (4); Likely benign (1). Last evaluated 2026-01-01.

Conditions:
Inborn genetic diseases. Identifiers: MedGen C0950123, MeSH D030342.
Jeune thoracic dystrophy. Also called: Short-rib thoracic dysplasia; Jeune syndrome; Infantile thoracic dystrophy; Thoracic pelvic phalangeal dystrophy; Jeune's syndrome; Chondroectodermal dysplasia-like syndrome. Identifiers: Orphanet 474, MedGen C0265275, MONDO:0018770.
Asphyxiating thoracic dystrophy 2 (SRTD2). Also called: SHORT-RIB THORACIC DYSPLASIA 2 WITH OR WITHOUT POLYDACTYLY; SHORT-RIB THORACIC DYSPLASIA 2 WITH POLYDACTYLY; SHORT-RIB THORACIC DYSPLASIA 2 WITHOUT POLYDACTYLY. Identifiers: Orphanet 474, MedGen C1970005, MONDO:0012644, OMIM 611263.

Allele frequency attached by ClinVar (database versions not stated): ExAC 0.00015; gnomAD 0.00020 and 0.00021; gnomAD exomes 0.00022; TOPMed 0.00025; 1000 Genomes Project 0.00060; 1000 Genomes Project 30x 0.00078.
gnomAD v4.1: 340 of 1,613,266 alleles (0.021%); highest among the groups gnomAD compares: Middle Eastern, 0.083%; no homozygotes.

Submissions (5):

Labcorp Genetics (formerly Invitae), Labcorp
Classification: Likely benign for Jeune thoracic dystrophy. Last evaluated: 2026-01-01. Review status: criteria provided, single submitter. Criteria: Invitae Variant Classification Sherloc (09022015). Collection method: clinical testing. Allele origin: germline.

Ambry Genetics
Classification: Uncertain significance for Inborn genetic diseases. Last evaluated: 2025-08-02. Review status: criteria provided, single submitter. Criteria: Ambry Variant Classification Scheme 2023. Collection method: clinical testing. Allele origin: germline.

ARUP Laboratories, Molecular Genetics and Genomics, ARUP Laboratories
Classification: Uncertain significance for Asphyxiating thoracic dystrophy 2. Last evaluated: 2022-12-22. Review status: criteria provided, single submitter. Criteria: ARUP Molecular Germline Variant Investigation Process 2024. Collection method: clinical testing. Allele origin: germline.
Comment: The IFT80 c.2158C>A; p.Gln720Lys variant (rs201820395), to our knowledge, is not reported in the medical literature but is reported in ClinVar (Variation ID: 501586). This variant is found in the general population with an overall allele frequency of 0.021 % (59/282,490 alleles) in the Genome Aggregation Database. The glutamine at codon 720 is moderately conserved, and computational analyses are uncertain whether this variant is neutral or deleterious (REVEL: 0.178). Due to limited information, the clinical significance of this variant is uncertain at this time.

Fulgent Genetics
Classification: Uncertain significance for Asphyxiating thoracic dystrophy 2. Last evaluated: 2018-10-31. Review status: criteria provided, single submitter. Criteria: ACMG Guidelines, 2015. Collection method: clinical testing. Allele origin: unknown.

Eurofins Ntd Llc (ga)
Classification: Uncertain significance. Last evaluated: 2017-04-27. Review status: criteria provided, single submitter. Criteria: EGL Classification Definitions 2015. Collection method: clinical testing. Allele origin: germline. Observed: 1 variant allele, 1 heterozygote.